The following continues an entry in ClinVar:

NM_000100.4(CSTB):c.218_219del (p.Leu73fs)

Gene: CSTB. ClinVar aggregate classification (germline): Pathogenic/Likely pathogenic. Pathogenic (8); Likely pathogenic (2).

Submissions 10 to 13 of 13:

Knight Diagnostic Laboratories, Oregon Health and Sciences University
Classification: Likely pathogenic for Unverricht-Lundborg syndrome. Last evaluated: 2016-01-27. Review status: criteria provided, single submitter. Criteria: ACMG Guidelines, 2015. Collection method: clinical testing. Allele origin: germline. Affected: no. Study: CSER-NextGen.
Comment: The c.218_219delTC (p.Leu73Profs*3) frameshift variant in the CSTB gene has been previously reported as heterozygous in three affected individuals with autosomal recessive Myoclonic epilepsy of Unverricht and Lundborg (Bespalova et al., 1997; LafreniÃ¨re et al., 1997; Lalioti et al., 1997). This frameshift variant is predicted to cause a protein termination in exon 3 (out of a total of 3 exons in the coding sequence). The C-terminal end of the protein, which is truncated by this variant, is important for normal protein function (Pol and Bjork, 1999). Nonsense mutations in the CSTB gene have been reported as pathogenic (Gln47*, Arg68*), and thus, loss of function is a known mechanism of disease. Additionally, in vitro functional studies have shown this variant leads to abnormal localization of the protein within the cell, similar to other pathogenic variants (Cipollini et al., 2008; Alakurtti et al., 2005). This c.218_219delTC has been reported at low frequency in the population databases (Exome Sequencing Project [ESP] = NA, 1000 Genomes = NA, and ExAC = 0.001%) and is predicted to be located in an evolutionarily conserved region (GERP = 5.46). Therefore, this collective evidence supports the classification of the c.218_219delTC (p.Leu73Profs*3) as a recessive Likely Pathogenic variant for Myoclonic epilepsy of Unverricht and Lundborg.

OMIM
Classification: Pathogenic for MYOCLONIC EPILEPSY OF UNVERRICHT AND LUNDBORG. Last evaluated: 2005-02-01. Review status: no assertion criteria provided. Collection method: literature only. Allele origin: germline. Not counted in ClinVar's aggregate classification.

GeneReviews
No classification provided. Condition: Unverricht-Lundborg syndrome. Review status: no classification provided. Collection method: literature only. Allele origin: germline. Affected: yes. Not counted in ClinVar's aggregate classification.

Juha Muilu Group; Institute for Molecular Medicine Finland (FIMM)
Classification: Likely pathogenic for Unverricht-Lundborg syndrome. Review status: no assertion criteria provided. Collection method: not provided. Allele origin: unknown. Not counted in ClinVar's aggregate classification.
Comment: FinDis database variant: FinDis database variant: This variant was not found or characterized by our laboratory, data were collected from public sources: see reference
ClinVar note: Converted during submission from probable-pathogenic to Likely pathogenic.

Literature cited by the submitters: PubMed 36398398 (cited by Victorian Clinical Genetics Services, Murdoch Childrens Research Institute); PubMed 20301321 (cited by Victorian Clinical Genetics Services, Murdoch Childrens Research Institute); PubMed 9054946 (cited by 6 submitters); PubMed 9012407 (cited by 6 submitters); PubMed 9342192 (cited by 6 submitters); PubMed 15483648 (cited by 6 submitters); PubMed 17920138 (cited by Labcorp Genetics (formerly Invitae), Labcorp and Athena Diagnostics); PubMed 10441148 (cited by Labcorp Genetics (formerly Invitae), Labcorp and Ambry Genetics); PubMed 17003839 (cited by Athena Diagnostics); PubMed 31440721 (cited by Mayo Clinic Laboratories, Mayo Clinic); PubMed 2347312 (cited by Ambry Genetics); PubMed 17217964 (cited by Ambry Genetics); PubMed 28378817 (cited by Ambry Genetics); PubMed 7543407 (cited by OMIM); NCBI Bookshelf NBK1142 (cited by GeneReviews).